The following is an entry in ClinVar:

ClinVar aggregate classification (germline): Uncertain significance (1 of 4 stars; one submission).

Conditions:
Myoclonic dystonia 11 (DYT11). Also called: DYT-SGCE; Myoclonic dystonia; Dystonia 11; Dystonia, alcohol responsive; Hereditary essential myoclonus; SGCE Myoclonus-Dystonia. Identifiers: Orphanet 36899, MedGen C1834570, MONDO:0008044, OMIM 159900.

Allele frequency attached by ClinVar (database versions not stated): TOPMed 0.00001.
gnomAD v4.1: 3 of 1,610,878 alleles (0.00019%); highest among the groups gnomAD compares: Non-Finnish European, 0.00017%; no homozygotes.

Submission:

Labcorp Genetics (formerly Invitae), Labcorp
Classification: Uncertain significance for Myoclonic dystonia 11. Last evaluated: 2022-11-19. Review status: criteria provided, single submitter. Criteria: Invitae Variant Classification Sherloc (09022015). Collection method: clinical testing. Allele origin: germline.
Comment: In summary, the available evidence is currently insufficient to determine the role of this variant in disease. Therefore, it has been classified as a Variant of Uncertain Significance. Advanced modeling of protein sequence and biophysical properties (such as structural, functional, and spatial information, amino acid conservation, physicochemical variation, residue mobility, and thermodynamic stability) performed at Invitae indicates that this missense variant is not expected to disrupt SGCE protein function. This variant has not been reported in the literature in individuals affected with SGCE-related conditions. This variant is present in population databases (no rsID available, gnomAD 0.0009%). This sequence change replaces histidine, which is basic and polar, with asparagine, which is neutral and polar, at codon 45 of the SGCE protein (p.His45Asn).

NM_003919.3(SGCE):c.133C>A (p.His45Asn)

Genes: CASD1 (CAS1 domain sialic acid O acetyltransferase 1; plus strand), SGCE (sarcoglycan epsilon; minus strand). Cytogenetic location: 7q21.3.
Variant type: single nucleotide variant.
Coding change: c.133C>A on transcript NM_003919.3 (MANE Select); coding-DNA position 133, C replaced by A.
Protein change: p.His45Asn; replaces histidine 45 with asparagine.
Molecular consequence: missense variant. On other transcripts: intron variant (2), 5 prime UTR variant (2).
Genome position (GRCh38, 1-based): chr7:94,629,818, G>T on the plus strand (C>A on the coding strand, the complement: SGCE is on the minus strand). VCF-style: chr7-94629818-G-T. GRCh37 (hg19) VCF-style: chr7-94259130-G-T.
Other names: c.110-1459C>A (NM_001301139.2, NM_001362809.2); c.133C>A, p.His45Asn (NM_001099400.2, NM_001099401.2, NM_001346717.2); c.241C>A, p.His81Asn (NM_001346713.2, NM_001346715.2); c.46C>A, p.His16Asn (NM_001346719.2, NM_001362807.2); c.-141C>A (NM_001346720.2, NM_001362808.2); short protein forms H81N, H16N, H45N.
Identifiers: ClinVar variation 2001050 (VCV002001050.4), dbSNP rs749953335, ClinGen allele CA368239652.